The following is an entry in ClinVar:

ClinVar aggregate classification (germline): Pathogenic (1 of 4 stars; one submission).

Conditions:
Familial adenomatous polyposis 3. Also called: NTHL1-related attenuated familial adenomatous polyposis; NTHL1-Related Adenomatous Polyposis and Colorectal Cancer; NTHL1-associated polyposis; NTHL1 Tumor Syndrome. Identifiers: Orphanet 220460, Orphanet 454840, MedGen C4225157, MONDO:0014630, OMIM 616415.

Submission:

Myriad Genetics, Inc.
Classification: Pathogenic for Familial adenomatous polyposis 3. Last evaluated: 2023-01-19. Review status: criteria provided, single submitter. Criteria: Myriad Autosomal Dominant, Autosomal Recessive and X-Linked Classification Criteria (2023). Collection method: clinical testing. Allele origin: unknown.
Comment: This variant is considered pathogenic. This variant creates a frameshift predicted to result in premature protein truncation.

NM_002528.7(NTHL1):c.185del (p.Gly62fs)

Gene: NTHL1 (nth like DNA glycosylase 1; minus strand). Cytogenetic location: 16p13.3.
Variant type: Deletion.
Coding change: c.185del on transcript NM_002528.7 (MANE Select); coding-DNA position 185, one base deleted (G; older notation c.185delG).
Protein change: p.Gly62fs; shifts the reading frame from glycine 62.
Molecular consequence: frameshift variant.
Genome position (GRCh38, 1-based): chr16:2,046,297, C deleted on the plus strand (G on the coding strand, the reverse complement: NTHL1 is on the minus strand); the first of 3 consecutive C bases (chr16:2,046,297-2,046,299); deleting any one gives the same sequence. VCF-style (leftmost placement, unchanged base first): chr16-2046296-GC-G. GRCh37 (hg19) VCF-style: chr16-2096297-GC-G.
Other names: c.185del, p.Gly62fs (NM_001318193.2); c.7del, p.Ala3fs (NM_001318194.2); short protein forms A3fs, G62fs.
Identifiers: ClinVar variation 2431325 (VCV002431325.1), dbSNP rs2548321081, ClinGen allele CA2580090651.